The following is an entry in ClinVar:

ClinVar aggregate classification (germline): Pathogenic/Likely pathogenic. Review status: criteria provided, multiple submitters, no conflicts (2 of 4 stars). 3 submissions from 3 submitters: Pathogenic (1); Likely pathogenic (1). 1 of the submissions does not count toward it. Last evaluated 2025-12-19.

Conditions:
HSD3B7-related disorder. Also called: HSD3B7-related condition.

gnomAD v4.1: 63 of 1,607,942 alleles (0.0039%); highest among the groups gnomAD compares: Non-Finnish European, 0.0052%; no homozygotes.

Submissions (3):

Labcorp Genetics (formerly Invitae), Labcorp
Classification: Pathogenic. Last evaluated: 2025-12-19. Review status: criteria provided, single submitter. Criteria: Invitae Variant Classification Sherloc (09022015). Collection method: clinical testing. Allele origin: germline.
Comment: This sequence change creates a premature translational stop signal (p.Arg27*) in the HSD3B7 gene. It is expected to result in an absent or disrupted protein product. Loss-of-function variants in HSD3B7 are known to be pathogenic (PMID: 12679481). This variant is present in population databases (rs139399987, gnomAD 0.007%). This premature translational stop signal has been observed in individual(s) with cholestasis (PMID: 36964972). ClinVar contains an entry for this variant (Variation ID: 3345116). Algorithms developed to predict the effect of sequence changes on RNA splicing suggest that this variant may disrupt the consensus splice site. For these reasons, this variant has been classified as Pathogenic.

GeneDx
Classification: Likely pathogenic. Last evaluated: 2025-07-30. Review status: criteria provided, single submitter. Criteria: GeneDx Variant Classification Process June 2021. Collection method: clinical testing. Allele origin: germline. Affected: yes.
Comment: Nonsense variant predicted to result in protein truncation or nonsense mediated decay in a gene for which loss of function is a known mechanism of disease; This variant is associated with the following publications: (PMID: 36964972)

PreventionGenetics, part of Exact Sciences
Classification: Pathogenic for HSD3B7-related condition. Last evaluated: 2024-06-27. Review status: no assertion criteria provided. Collection method: clinical testing. Allele origin: germline. Not counted in ClinVar's aggregate classification.
Comment: The HSD3B7 c.79C>T variant is predicted to result in premature protein termination (p.Arg27*). This variant was reported in the homozygous state in an individual with intrahepatic cholestasis (Supp. Table 1, Gorukmez et al. 2023. PubMed ID: 36964972). This variant is reported in 0.0068% of alleles in individuals of South Asian descent in gnomAD. Nonsense variants in HSD3B7 are expected to be pathogenic. This variant is interpreted as pathogenic.

Literature cited by the submitters: PubMed 12679481 (cited by Labcorp Genetics (formerly Invitae), Labcorp); PubMed 36964972 (cited by Labcorp Genetics (formerly Invitae), Labcorp).

NM_025193.4(HSD3B7):c.79C>T (p.Arg27Ter)

Gene: HSD3B7 (hydroxy-delta-5-steroid dehydrogenase, 3 beta- and steroid delta-isomerase 7; plus strand). Cytogenetic location: 16p11.2.
Variant type: single nucleotide variant.
Coding change: c.79C>T on transcript NM_025193.4 (MANE Select); coding-DNA position 79, C replaced by T.
Protein change: p.Arg27Ter; replaces arginine 27 with a stop codon.
Molecular consequence: nonsense.
Genome position (GRCh38, 1-based): chr16:30,985,737, C>T. VCF-style: chr16-30985737-C-T. GRCh37 (hg19) VCF-style: chr16-30997058-C-T.
Other names: c.79C>T, p.Arg27Ter (NM_001142777.2, NM_001142778.2); short protein forms R27*.
Identifiers: ClinVar variation 3345116 (VCV003345116.4).